The following is an entry in ClinVar:

ClinVar aggregate classification (germline): Uncertain significance (1 of 4 stars; one submission).

Conditions:
Developmental and epileptic encephalopathy, 12 (DEE12). Identifiers: MedGen C3150988, MONDO:0013389, OMIM 613722.

Allele frequency attached by ClinVar (database versions not stated): gnomAD exomes below 0.00001.
gnomAD v4.1: 1 of 1,600,230 alleles (0.000062%); highest among the groups gnomAD compares: East Asian, 0.0022%; no homozygotes.

Submission:

Labcorp Genetics (formerly Invitae), Labcorp
Classification: Uncertain significance for Developmental and epileptic encephalopathy, 12. Last evaluated: 2020-10-28. Review status: criteria provided, single submitter. Criteria: Invitae Variant Classification Sherloc (09022015). Collection method: clinical testing. Allele origin: germline.
Comment: In summary, the available evidence is currently insufficient to determine the role of this variant in disease. Therefore, it has been classified as a Variant of Uncertain Significance. Algorithms developed to predict the effect of missense changes on protein structure and function (SIFT, PolyPhen-2, Align-GVGD) all suggest that this variant is likely to be tolerated, but these predictions have not been confirmed by published functional studies and their clinical significance is uncertain. This variant has not been reported in the literature in individuals with PLCB1-related conditions. This variant is not present in population databases (ExAC no frequency). This sequence change replaces cysteine with tyrosine at codon 775 of the PLCB1 protein (p.Cys775Tyr). The cysteine residue is moderately conserved and there is a large physicochemical difference between cysteine and tyrosine.

NM_015192.4(PLCB1):c.2324G>A (p.Cys775Tyr)

Gene: PLCB1 (phospholipase C beta 1; plus strand). Cytogenetic location: 20p12.3.
Variant type: single nucleotide variant.
Coding change: c.2324G>A on transcript NM_015192.4 (MANE Select); coding-DNA position 2324, G replaced by A.
Protein change: p.Cys775Tyr; replaces cysteine 775 with tyrosine.
Molecular consequence: missense variant.
Genome position (GRCh38, 1-based): chr20:8,740,359, G>A. VCF-style: chr20-8740359-G-A. GRCh37 (hg19) VCF-style: chr20-8721006-G-A.
Other names: c.2324G>A, p.Cys775Tyr (NM_182734.3); short protein forms C775Y.
Identifiers: ClinVar variation 1060836 (VCV001060836.9), dbSNP rs1209875193, ClinGen allele CA408207874.